The following is an entry in ClinVar:

NM_015046.7(SETX):c.1285A>G (p.Ile429Val)

Gene: SETX (senataxin; minus strand). Cytogenetic location: 9q34.13.
Variant type: single nucleotide variant.
Coding change: c.1285A>G on transcript NM_015046.7 (MANE Select); coding-DNA position 1285, A replaced by G.
Protein change: p.Ile429Val; replaces isoleucine 429 with valine.
Molecular consequence: missense variant.
Genome position (GRCh38, 1-based): chr9:132,330,313, T>C on the plus strand (A>G on the coding strand, the complement: SETX is on the minus strand). VCF-style: chr9-132330313-T-C. GRCh37 (hg19) VCF-style: chr9-135205700-T-C.
Other names: c.1285A>G, p.Ile429Val (NM_001351527.2, NM_001351528.2); short protein forms I429V.
Identifiers: ClinVar variation 805410 (VCV000805410.5), dbSNP rs747053403, ClinGen allele CA5297805.
Genomic context (GRCh38, chr9:132,330,313, plus strand): 5'-CATCTGTTTGGTTGAGGACTTCTTTGACTTCAGAGTACAGATGATTAACAACCTGTGCTA[T>C]GTAAGCCACACCCAAATCCTTAAGATCCATGAGGGACTGGACAAAAGGGATGAACCATAG-3'
Protein context (NP_055861.3, residues 419-439): MDLKDLGVAY[Ile429Val]AQVVNHLYSE

ClinVar aggregate classification (germline): Uncertain significance. Review status: criteria provided, multiple submitters, no conflicts (2 of 4 stars). 4 submissions from 3 submitters: Uncertain significance (4). Last evaluated 2023-02-08.

Conditions:
Amyotrophic lateral sclerosis type 4 (ALS4). Also called: NEURONOPATHY, DISTAL HEREDITARY MOTOR, WITH PYRAMIDAL FEATURES; AMYOTROPHIC LATERAL SCLEROSIS 4, JUVENILE. Identifiers: Orphanet 357043, MedGen C1865409, MONDO:0011223, OMIM 602433.
Spinocerebellar ataxia, autosomal recessive, with axonal neuropathy 2 (SCAN2). Also called: Ataxia with Oculomotor Apraxia; Ataxia with Oculomotor Apraxia Type 2; Ataxia-ocular apraxia-2; ATAXIA-OCULOMOTOR APRAXIA 2. Identifiers: Orphanet 64753, MedGen C1853761, MONDO:0018996, OMIM 606002.

Allele frequency attached by ClinVar (database versions not stated): ExAC 0.00001; gnomAD exomes 0.00001.
gnomAD v4.1: 10 of 1,612,170 alleles (0.00062%); highest among the groups gnomAD compares: South Asian, 0.0011%; no homozygotes.

Submissions (4):

Genome-Nilou Lab
Classification: Uncertain significance for Spinocerebellar ataxia, autosomal recessive, with axonal neuropathy 2. Last evaluated: 2023-02-08. Review status: criteria provided, single submitter. Criteria: ACMG Guidelines, 2015. Collection method: clinical testing. Allele origin: germline.

Genome-Nilou Lab
Classification: Uncertain significance for Amyotrophic lateral sclerosis type 4. Last evaluated: 2023-02-08. Review status: criteria provided, single submitter. Criteria: ACMG Guidelines, 2015. Collection method: clinical testing. Allele origin: germline.

Athena Diagnostics
Classification: Uncertain significance. Last evaluated: 2019-08-07. Review status: criteria provided, single submitter. Criteria: Athena Diagnostics Criteria. Collection method: clinical testing. Allele origin: germline.

Centre for Mendelian Genomics, University Medical Centre Ljubljana
Classification: Uncertain significance for Spinocerebellar ataxia, autosomal recessive, with axonal neuropathy 2. Last evaluated: 2019-04-18. Review status: criteria provided, single submitter. Criteria: ACMG Guidelines, 2015. Collection method: clinical testing. Allele origin: unknown. Affected: yes.
Comment: This variant was classified as: Uncertain significance. The available evidence on this variant's pathogenicity is insufficient or conflicting. The following ACMG criteria were applied in classifying this variant: PP3.